The following is an entry in ClinVar:

ClinVar aggregate classification (germline): Pathogenic. Review status: criteria provided, multiple submitters, no conflicts (2 of 4 stars). 3 submissions from 3 submitters: Pathogenic (3). Last evaluated 2023-01-23.

Conditions:
Long QT syndrome (LQTS). Identifiers: MedGen C0023976, MeSH D008133, MONDO:0002442. Disease mechanism: loss of function. Inheritance: Various modes of inheritance.
Long QT syndrome 2 (LQT2). Identifiers: Orphanet 101016, Orphanet 768, MedGen C3150943, MONDO:0013367, OMIM 613688.
Cardiovascular phenotype. Identifiers: MedGen CN230736.

Submissions (3):

Ambry Genetics
Classification: Pathogenic for Cardiovascular phenotype. Last evaluated: 2023-01-23. Review status: criteria provided, single submitter. Criteria: Ambry Variant Classification Scheme 2023. Collection method: clinical testing. Allele origin: germline.
Comment: The c.2677_2680dupAGGC pathogenic mutation, located in coding exon 11 of the KCNH2 gene, results from a duplication of AGGC at nucleotide position 2677, causing a translational frameshift with a predicted alternate stop codon (p.R894Qfs*27). This variant is considered to be rare based on population cohorts in the Genome Aggregation Database (gnomAD). In addition to the clinical data presented in the literature, this alteration is expected to result in loss of function by premature protein truncation or nonsense-mediated mRNA decay. As such, this alteration is interpreted as a disease-causing mutation.

Labcorp Genetics (formerly Invitae), Labcorp
Classification: Pathogenic for Long QT syndrome. Last evaluated: 2022-03-23. Review status: criteria provided, single submitter. Criteria: Invitae Variant Classification Sherloc (09022015). Collection method: clinical testing. Allele origin: germline.
Comment: For these reasons, this variant has been classified as Pathogenic. ClinVar contains an entry for this variant (Variation ID: 519280). This premature translational stop signal has been observed in individual(s) with clinical features of KCNH2-related conditions (PMID: 22382559). This variant is not present in population databases (gnomAD no frequency). This sequence change creates a premature translational stop signal (p.Arg894Glnfs*27) in the KCNH2 gene. It is expected to result in an absent or disrupted protein product. Loss-of-function variants in KCNH2 are known to be pathogenic (PMID: 10973849, 19862833).

MVZ Martinsried, Medicover Genetics
Classification: Pathogenic for Long QT syndrome 2. Last evaluated: 2020-07-15. Review status: criteria provided, single submitter. Criteria: ACGS Guidelines, 2020. Collection method: clinical testing. Allele origin: unknown. Affected: yes.

Literature cited by the submitters: PubMed 22382559 (cited by Ambry Genetics and Labcorp Genetics (formerly Invitae), Labcorp); PubMed 10973849 (cited by Labcorp Genetics (formerly Invitae), Labcorp); PubMed 19862833 (cited by Labcorp Genetics (formerly Invitae), Labcorp).

NM_000238.4(KCNH2):c.2677_2680dup (p.Arg894fs)

Gene: KCNH2 (potassium voltage-gated channel subfamily H member 2; minus strand). Cytogenetic location: 7q36.1.
Variant type: Duplication.
Coding change: c.2677_2680dup on transcript NM_000238.4 (MANE Select); coding-DNA positions 2677 to 2680, 4 bases duplicated (AGGC; older notation c.2677_2680dupAGGC).
Protein change: p.Arg894fs; shifts the reading frame from arginine 894.
Molecular consequence: frameshift variant.
Genome position (GRCh38, 1-based): chr7:150,948,456-150,948,459, GCCT duplicated on the plus strand (AGGC on the coding strand, the reverse complement: KCNH2 is on the minus strand); duplicating any 4 consecutive bases within chr7:150,948,456-150,948,461 gives the same sequence; the c. name uses the placement nearest the transcript's 3' end. VCF-style (leftmost placement, unchanged base first): chr7-150948455-C-CGCCT. GRCh37 (hg19) VCF-style: chr7-150645543-C-CGCCT.
Other names: c.2677_2680dupAGGC (NM_000238.3); c.1657_1660dup, p.Arg554fs (NM_172057.3); short protein forms R894fs, R554fs.
Identifiers: ClinVar variation 519280 (VCV000519280.11), dbSNP rs1385959174, ClinGen allele CA658797037.